The following is an entry in ClinVar:

ClinVar aggregate classification (germline): Uncertain significance. Review status: criteria provided, multiple submitters, no conflicts (2 of 4 stars). 2 submissions from 2 submitters: Uncertain significance (2). Last evaluated 2025-07-14.

Allele frequency attached by ClinVar (database versions not stated): gnomAD exomes 0.00002; ExAC 0.00004; gnomAD 0.00004; TOPMed 0.00005.
gnomAD v4.1: 43 of 1,613,758 alleles (0.0027%); highest among the groups gnomAD compares: Middle Eastern, 0.033%; no homozygotes.

Submissions (2):

Ambry Genetics
Classification: Uncertain significance. Last evaluated: 2025-07-14. Review status: criteria provided, single submitter. Criteria: Ambry Variant Classification Scheme 2023. Collection method: clinical testing. Allele origin: germline.

Labcorp Genetics (formerly Invitae), Labcorp
Classification: Uncertain significance. Last evaluated: 2023-07-25. Review status: criteria provided, single submitter. Criteria: Invitae Variant Classification Sherloc (09022015). Collection method: clinical testing. Allele origin: germline.
Comment: This variant has not been reported in the literature in individuals affected with NIN-related conditions. An algorithm developed to predict the effect of missense changes on protein structure and function (PolyPhen-2) suggests that this variant is likely to be disruptive. This variant is present in population databases (rs747622310, gnomAD 0.009%). This sequence change replaces serine, which is neutral and polar, with phenylalanine, which is neutral and non-polar, at codon 1749 of the NIN protein (p.Ser1749Phe). In summary, the available evidence is currently insufficient to determine the role of this variant in disease. Therefore, it has been classified as a Variant of Uncertain Significance.

NM_020921.4(NIN):c.5246C>T (p.Ser1749Phe)

Gene: NIN (ninein; minus strand). Cytogenetic location: 14q22.1.
Variant type: single nucleotide variant.
Coding change: c.5246C>T on transcript NM_020921.4 (MANE Select); coding-DNA position 5246, C replaced by T.
Protein change: p.Ser1749Phe; replaces serine 1749 with phenylalanine.
Molecular consequence: missense variant.
Genome position (GRCh38, 1-based): chr14:50,743,471, G>A on the plus strand (C>T on the coding strand, the complement: NIN is on the minus strand). VCF-style: chr14-50743471-G-A. GRCh37 (hg19) VCF-style: chr14-51210189-G-A.
Other names: c.3107C>T, p.Ser1036Phe (NM_016350.5); c.5246C>T, p.Ser1749Phe (NM_182944.3, NM_182946.2); c.5246C>T (NM_020921.3); short protein forms S1749F, S1036F.
Identifiers: ClinVar variation 2891605 (VCV002891605.4), dbSNP rs747622310, ClinGen allele CA7181344.